The following is an entry in ClinVar:

ClinVar aggregate classification (germline): Uncertain significance. Review status: criteria provided, multiple submitters, no conflicts (2 of 4 stars). 3 submissions from 3 submitters: Uncertain significance (3). Last evaluated 2026-01-04.

Conditions:
IL6ST-related disorder. Also called: IL6ST-related condition.

Allele frequency attached by ClinVar (database versions not stated): gnomAD 0.00003 and 0.00004; ExAC 0.00004; TOPMed 0.00004; gnomAD exomes 0.00005.
gnomAD v4.1: 49 of 1,613,936 alleles (0.003%); highest among the groups gnomAD compares: Non-Finnish European, 0.00068%; no homozygotes.

Submissions (3):

Labcorp Genetics (formerly Invitae), Labcorp
Classification: Uncertain significance. Last evaluated: 2026-01-04. Review status: criteria provided, single submitter. Criteria: Invitae Variant Classification Sherloc (09022015). Collection method: clinical testing. Allele origin: germline.
Comment: This sequence change replaces histidine, which is basic and polar, with asparagine, which is neutral and polar, at codon 855 of the IL6ST protein (p.His855Asn). This variant is present in population databases (rs778300992, gnomAD 0.1%). This variant has not been reported in the literature in individuals affected with IL6ST-related conditions. ClinVar contains an entry for this variant (Variation ID: 1492250). An algorithm developed to predict the effect of missense changes on protein structure and function (PolyPhen-2) suggests that this variant is likely to be tolerated. In summary, the available evidence is currently insufficient to determine the role of this variant in disease. Therefore, it has been classified as a Variant of Uncertain Significance.

Ambry Genetics
Classification: Uncertain significance. Last evaluated: 2025-03-15. Review status: criteria provided, single submitter. Criteria: Ambry Variant Classification Scheme 2023. Collection method: clinical testing. Allele origin: germline.

PreventionGenetics, part of Exact Sciences
Classification: Uncertain significance for IL6ST-related condition. Last evaluated: 2025-01-04. Review status: criteria provided, single submitter. Criteria: ACMG Guidelines, 2015. Collection method: clinical testing. Allele origin: germline.
Comment: The IL6ST c.2563C>A variant is predicted to result in the amino acid substitution p.His855Asn. To our knowledge, this variant has not been reported in the literature. This variant is reported in 0.11% of alleles in individuals of Ashkenazi Jewish descent in gnomAD. At this time, the clinical significance of this variant is uncertain due to the absence of conclusive functional and genetic evidence.

NM_002184.4(IL6ST):c.2563C>A (p.His855Asn)

Gene: IL6ST (interleukin 6 cytokine family signal transducer; minus strand). Cytogenetic location: 5q11.2.
Variant type: single nucleotide variant.
Coding change: c.2563C>A on transcript NM_002184.4 (MANE Select); coding-DNA position 2563, C replaced by A.
Protein change: p.His855Asn; replaces histidine 855 with asparagine.
Molecular consequence: missense variant. On other transcripts: 3 prime UTR variant (1), non-coding transcript variant (2).
Genome position (GRCh38, 1-based): chr5:55,941,276, G>T on the plus strand (C>A on the coding strand, the complement: IL6ST is on the minus strand). VCF-style: chr5-55941276-G-T. GRCh37 (hg19) VCF-style: chr5-55237104-G-T.
Other names: c.2380C>A, p.His794Asn (NM_001190981.2); c.2461C>A, p.His821Asn (NM_001364275.2); c.2353C>A, p.His785Asn (NM_001364276.2); c.1696C>A, p.His566Asn (NM_001364277.2); c.1660C>A, p.His554Asn (NM_001364278.2); c.1567C>A, p.His523Asn (NM_001364279.2); c.*1490C>A (NM_175767.3); c.2563C>A (NM_002184.3); short protein forms H523N, H554N, H566N, H785N, H855N, H821N, H794N.
Identifiers: ClinVar variation 1492250 (VCV001492250.11), dbSNP rs778300992, ClinGen allele CA3271136.
Genomic context (GRCh38, chr5:55,941,276, plus strand): 5'-CTGCTGCAGAAACTTCCTGAAACATTTTCATTTGCCCAGATCCACAGGATTGTGAAATAT[G>T]ATCTGAAATCTGCTGTTTAAGTCTAACAAAATCTTCCTCATTGACTGATGAAACTTGCTT-3'
Protein context (NP_002175.2, residues 845-865): FVRLKQQISD[His855Asn]ISQSCGSGQM